The following is an entry in ClinVar:

ClinVar aggregate classification (germline): Conflicting classifications of pathogenicity. Review status: criteria provided, conflicting classifications (1 of 4 stars). 3 submissions from 3 submitters: Uncertain significance (2); Likely benign (1). Last evaluated 2025-08-25.

Conditions:
Alstrom syndrome (ALMS). Identifiers: Orphanet 64, MedGen C0268425, MONDO:0008763, OMIM 203800.
Cardiovascular phenotype. Identifiers: MedGen CN230736.

Allele frequency attached by ClinVar (database versions not stated): TOPMed below 0.00001.

Submissions (3):

Ambry Genetics
Classification: Likely benign for Cardiovascular phenotype. Last evaluated: 2025-08-25. Review status: criteria provided, single submitter. Criteria: Ambry Variant Classification Scheme 2023. Collection method: clinical testing. Allele origin: germline.

GeneDx
Classification: Uncertain significance. Last evaluated: 2025-02-13. Review status: criteria provided, single submitter. Criteria: GeneDx Variant Classification Process June 2021. Collection method: clinical testing. Allele origin: germline. Affected: yes.
Comment: Not observed at significant frequency in large population cohorts (gnomAD); In silico analysis indicates that this missense variant does not alter protein structure/function; Has not been previously published as pathogenic or benign to our knowledge

Labcorp Genetics (formerly Invitae), Labcorp
Classification: Uncertain significance for Alstrom syndrome. Last evaluated: 2022-06-20. Review status: criteria provided, single submitter. Criteria: Invitae Variant Classification Sherloc (09022015). Collection method: clinical testing. Allele origin: germline.
Comment: In summary, the available evidence is currently insufficient to determine the role of this variant in disease. Therefore, it has been classified as a Variant of Uncertain Significance. Experimental studies and prediction algorithms are not available or were not evaluated, and the functional significance of this variant is currently unknown. This variant has not been reported in the literature in individuals affected with ALMS1-related conditions. This variant is not present in population databases (gnomAD no frequency). This sequence change replaces phenylalanine, which is neutral and non-polar, with valine, which is neutral and non-polar, at codon 678 of the ALMS1 protein (p.Phe678Val).

NM_001378454.1(ALMS1):c.2029T>G (p.Phe677Val)

Gene: ALMS1 (ALMS1 centrosome and basal body associated protein; plus strand). Cytogenetic location: 2p13.1.
Variant type: single nucleotide variant.
Coding change: c.2029T>G on transcript NM_001378454.1 (MANE Select); coding-DNA position 2029, T replaced by G.
Protein change: p.Phe677Val; replaces phenylalanine 677 with valine.
Molecular consequence: missense variant.
Genome position (GRCh38, 1-based): chr2:73,448,556, T>G. VCF-style: chr2-73448556-T-G. GRCh37 (hg19) VCF-style: chr2-73675683-T-G.
Other names: c.2032T>G, p.Phe678Val (NM_015120.4); short protein forms F677V, F678V.
Identifiers: ClinVar variation 2080461 (VCV002080461.4), dbSNP rs966108691, ClinGen allele CA50391293.